The following is an entry in ClinVar:

ClinVar aggregate classification (germline): Uncertain significance (1 of 4 stars; one submission).

gnomAD v4.1: 2 of 1,614,092 alleles (0.00012%); highest among the groups gnomAD compares: African/African-American, 0.0027%; no homozygotes.

Submission:

Labcorp Genetics (formerly Invitae), Labcorp
Classification: Uncertain significance. Last evaluated: 2025-04-01. Review status: criteria provided, single submitter. Criteria: Invitae Variant Classification Sherloc (09022015). Collection method: clinical testing. Allele origin: germline.
Comment: This sequence change replaces glutamic acid, which is acidic and polar, with glutamine, which is neutral and polar, at codon 378 of the SLC1A3 protein (p.Glu378Gln). This variant is not present in population databases (gnomAD no frequency). This variant has not been reported in the literature in individuals affected with SLC1A3-related conditions. An algorithm developed to predict the effect of missense changes on protein structure and function (PolyPhen-2) suggests that this variant is likely to be disruptive. In summary, the available evidence is currently insufficient to determine the role of this variant in disease. Therefore, it has been classified as a Variant of Uncertain Significance.

NM_004172.5(SLC1A3):c.1132G>C (p.Glu378Gln)

Genes: SLC1A3 (solute carrier family 1 member 3; plus strand), SLC1A3-AS1 (SLC1A3 antisense RNA 1; minus strand). Cytogenetic location: 5p13.2.
Variant type: single nucleotide variant.
Coding change: c.1132G>C on transcript NM_004172.5 (MANE Select); coding-DNA position 1132, G replaced by C.
Protein change: p.Glu378Gln; replaces glutamic acid 378 with glutamine.
Molecular consequence: missense variant.
Genome position (GRCh38, 1-based): chr5:36,680,432, G>C. VCF-style: chr5-36680432-G-C. GRCh37 (hg19) VCF-style: chr5-36680534-G-C.
Other names: c.796G>C, p.Glu266Gln (NM_001289940.2); c.1132G>C, p.Glu378Gln (NM_001438454.1, NM_001438455.1, NM_001438456.1 and 3 more transcripts); c.1273G>C, p.Glu425Gln (NM_001438458.1); c.850G>C, p.Glu284Gln (NM_001438460.1); c.832G>C, p.Glu278Gln (NM_001438461.1); c.811G>C, p.Glu271Gln (NM_001438462.1); c.994G>C, p.Glu332Gln (NM_001289939.2); short protein forms E278Q, E284Q, E332Q, E425Q, E266Q, E271Q, E378Q.
Identifiers: ClinVar variation 4764033 (VCV004764033.1).
Genomic context (GRCh38, chr5:36,680,432, plus strand): 5'-GTGCCCTATTTCACTGTTCTCAGTTCTGCCACCCTACCCATCACCTTCAAGTGCCTGGAA[G>C]AGAACAATGGCGTGGACAAGCGCGTCACCAGATTCGTGCTCCCCGTAGGAGCCACCATTA-3'
Protein context (NP_004163.3, residues 368-388): TLPITFKCLE[Glu378Gln]NNGVDKRVTR